The following is an entry in ClinVar:

NM_201253.3(CRB1):c.1896_1908del (p.Met633fs)

Gene: CRB1 (crumbs cell polarity complex component 1; plus strand). Cytogenetic location: 1q31.3.
Variant type: Deletion.
Coding change: c.1896_1908del on transcript NM_201253.3 (MANE Select); coding-DNA positions 1896 to 1908, 13 bases deleted (TATGCCATCCACA).
Protein change: p.Met633fs; shifts the reading frame from methionine 633.
Molecular consequence: frameshift variant. On other transcripts: non-coding transcript variant (1).
Genome position (GRCh38, 1-based): chr1:197,421,724-197,421,736, TATGCCATCCACA deleted; deleting any 13 consecutive bases within chr1:197,421,723-197,421,736 gives the same sequence; the c. name uses the placement nearest the transcript's 3' end. VCF-style (leftmost placement, unchanged base first): chr1-197421722-AATATGCCATCCAC-A. GRCh37 (hg19) VCF-style: chr1-197390852-AATATGCCATCCAC-A.
Other names: c.1560_1572del, p.Met521fs (NM_001193640.2); c.1689_1701del, p.Met564fs (NM_001257965.2); c.1896_1908del, p.Met633fs (NM_001257966.2); short protein forms M633fs, M521fs, M564fs.
Identifiers: ClinVar variation 1420442 (VCV001420442.6), dbSNP rs2125471347, ClinGen allele CA2573131444.

ClinVar aggregate classification (germline): Pathogenic (1 of 4 stars; one submission).

Conditions:
Retinitis pigmentosa 12 (RP12). Also called: RP WITH OR WITHOUT PRESERVED PARAARTERIOLE RETINAL PIGMENT EPITHELIUM; RETINITIS PIGMENTOSA WITH OR WITHOUT PARAARTERIOLAR PRESERVATION OF RETINAL PIGMENT EPITHELIUM; RP WITH OR WITHOUT PPRPE. Identifiers: Orphanet 791, MedGen C1838647, MONDO:0010818, OMIM 600105.
Leber congenital amaurosis 8 (LCA8). Identifiers: Orphanet 65, MedGen C3151202, MONDO:0013453, OMIM 613835.

Submission:

Labcorp Genetics (formerly Invitae), Labcorp
Classification: Pathogenic for Leber congenital amaurosis 8; Retinitis pigmentosa 12. Last evaluated: 2021-11-14. Review status: criteria provided, single submitter. Criteria: Invitae Variant Classification Sherloc (09022015). Collection method: clinical testing. Allele origin: germline.
Comment: For these reasons, this variant has been classified as Pathogenic. This variant has not been reported in the literature in individuals affected with CRB1-related conditions. This variant is not present in population databases (gnomAD no frequency). This sequence change creates a premature translational stop signal (p.Met633Leufs*4) in the CRB1 gene. It is expected to result in an absent or disrupted protein product. Loss-of-function variants in CRB1 are known to be pathogenic (PMID: 10508521, 22065545, 23379534, 25412400, 26957898, 28041643, 29391521).

Literature cited by the submitters: PubMed 10508521; PubMed 22065545; PubMed 23379534; PubMed 25412400; PubMed 26957898; PubMed 28041643; PubMed 29391521.